The following is an entry in ClinVar:

NM_001009944.3(PKD1):c.5413del (p.Leu1805fs)

Gene: PKD1 (polycystin 1, transient receptor potential channel interacting; minus strand). Cytogenetic location: 16p13.3.
Variant type: Deletion.
Coding change: c.5413del on transcript NM_001009944.3 (MANE Select); coding-DNA position 5413, one base deleted (C; older notation c.5413delC).
Protein change: p.Leu1805fs; shifts the reading frame from leucine 1805.
Molecular consequence: frameshift variant.
Genome position (GRCh38, 1-based): chr16:2,109,754, G deleted on the plus strand (C on the coding strand, the reverse complement: PKD1 is on the minus strand); the first of 2 consecutive G bases (chr16:2,109,754-2,109,755); deleting either gives the same sequence. VCF-style (leftmost placement, unchanged base first): chr16-2109753-AG-A. GRCh37 (hg19) VCF-style: chr16-2159754-AG-A.
Other names: c.5413del, p.Leu1805fs (NM_000296.4); short protein forms L1805fs.
Identifiers: ClinVar variation 995198 (VCV000995198.1), dbSNP rs2092452089, ClinGen allele CA1139664395.

ClinVar aggregate classification (germline): Pathogenic (1 of 4 stars; one submission).

Submission:

Athena Diagnostics
Classification: Pathogenic. Last evaluated: 2020-06-17. Review status: criteria provided, single submitter. Criteria: Athena Diagnostics Criteria. Collection method: clinical testing. Allele origin: unknown.
Comment: The variant results in a shift of the reading frame, and is therefore predicted to result in the loss of a functional protein. Found in at least one patient with expected phenotype for this gene, and not found in general population data.